The following is an entry in ClinVar:

NM_025137.4(SPG11):c.4375C>T (p.Leu1459=)

Gene: SPG11 (SPG11 vesicle trafficking associated, spatacsin; minus strand). Cytogenetic location: 15q21.1.
Variant type: single nucleotide variant.
Coding change: c.4375C>T on transcript NM_025137.4 (MANE Select); coding-DNA position 4375, C replaced by T.
Protein change: p.Leu1459=; no amino-acid change (leucine 1459 retained).
Molecular consequence: synonymous variant.
Genome position (GRCh38, 1-based): chr15:44,596,142, G>A on the plus strand (C>T on the coding strand, the complement: SPG11 is on the minus strand). VCF-style: chr15-44596142-G-A. GRCh37 (hg19) VCF-style: chr15-44888340-G-A.
Other names: c.4375C>T, p.Leu1459= (NM_001160227.2, NM_001411132.1).
Identifiers: ClinVar variation 4982248 (VCV004982248.1).

ClinVar aggregate classification (germline): Likely benign (1 of 4 stars; one submission).

Conditions:
SPG11-related disorder. Also called: SPG11-related condition.

Submission:

PreventionGenetics, part of Exact Sciences
Classification: Likely benign for SPG11-related condition. Last evaluated: 2024-10-07. Review status: criteria provided, single submitter. Criteria: ACMG Guidelines, 2015. Collection method: clinical testing. Allele origin: germline.
Comment: This variant is classified as likely benign based on ACMG/AMP sequence variant interpretation guidelines (Richards et al. 2015 PMID: 25741868, with internal and published modifications).